The following is an entry in ClinVar:

NM_001845.6(COL4A1):c.2720A>G (p.Asp907Gly)

Gene: COL4A1 (collagen type IV alpha 1 chain; minus strand). Cytogenetic location: 13q34.
Variant type: single nucleotide variant.
Coding change: c.2720A>G on transcript NM_001845.6 (MANE Select); coding-DNA position 2720, A replaced by G.
Protein change: p.Asp907Gly; replaces aspartic acid 907 with glycine.
Molecular consequence: missense variant.
Genome position (GRCh38, 1-based): chr13:110,177,034, T>C on the plus strand (A>G on the coding strand, the complement: COL4A1 is on the minus strand). VCF-style: chr13-110177034-T-C. GRCh37 (hg19) VCF-style: chr13-110829381-T-C.
Other names: short protein forms D907G.
Identifiers: ClinVar variation 2698067 (VCV002698067.3), dbSNP rs2501777549, ClinGen allele CA388667286.

ClinVar aggregate classification (germline): Uncertain significance (1 of 4 stars; one submission).

Allele frequency attached by ClinVar (database versions not stated): gnomAD exomes below 0.00001.
gnomAD v4.1: 1 of 1,613,768 alleles (0.000062%); highest among the groups gnomAD compares: Non-Finnish European, 0.000085%; no homozygotes.

Submission:

Labcorp Genetics (formerly Invitae), Labcorp
Classification: Uncertain significance. Last evaluated: 2023-11-21. Review status: criteria provided, single submitter. Criteria: Invitae Variant Classification Sherloc (09022015). Collection method: clinical testing. Allele origin: germline.
Comment: This sequence change replaces aspartic acid, which is acidic and polar, with glycine, which is neutral and non-polar, at codon 907 of the COL4A1 protein (p.Asp907Gly). This variant is not present in population databases (gnomAD no frequency). This variant has not been reported in the literature in individuals affected with COL4A1-related conditions. An algorithm developed to predict the effect of missense changes on protein structure and function (PolyPhen-2) suggests that this variant is likely to be disruptive. In summary, the available evidence is currently insufficient to determine the role of this variant in disease. Therefore, it has been classified as a Variant of Uncertain Significance.